The following is an entry in ClinVar:

ClinVar aggregate classification (germline): Conflicting classifications of pathogenicity. Review status: criteria provided, conflicting classifications (1 of 4 stars). 3 submissions from 3 submitters: Uncertain significance (2); Likely benign (1). Last evaluated 2022-01-26.

Conditions:
Usher syndrome type 2C. Also called: Usher syndrome, type 2B; USHER SYNDROME, TYPE IIC. Identifiers: Orphanet 231178, Orphanet 886, MedGen C2931213, MONDO:0011558, OMIM 605472.

Allele frequency attached by ClinVar (database versions not stated): gnomAD 0.00001; gnomAD exomes 0.00002 and 0.00009; TOPMed 0.00004; ExAC 0.00006.
gnomAD v4.1: 127 of 1,582,780 alleles (0.008%); highest among the groups gnomAD compares: Non-Finnish European, 0.01%; no homozygotes.

Submissions (3):

Labcorp Genetics (formerly Invitae), Labcorp
Classification: Uncertain significance. Last evaluated: 2022-01-26. Review status: criteria provided, single submitter. Criteria: Invitae Variant Classification Sherloc (09022015). Collection method: clinical testing. Allele origin: germline.
Comment: This sequence change replaces isoleucine, which is neutral and non-polar, with valine, which is neutral and non-polar, at codon 3061 of the ADGRV1 protein (p.Ile3061Val). This variant is present in population databases (rs759038879, gnomAD 0.005%). This variant has not been reported in the literature in individuals affected with ADGRV1-related conditions. ClinVar contains an entry for this variant (Variation ID: 227413). Algorithms developed to predict the effect of missense changes on protein structure and function output the following: SIFT: "Tolerated"; PolyPhen-2: "Benign"; Align-GVGD: "Class C0". The valine amino acid residue is found in multiple mammalian species, which suggests that this missense change does not adversely affect protein function. Algorithms developed to predict the effect of sequence changes on RNA splicing suggest that this variant may create or strengthen a splice site. In summary, the available evidence is currently insufficient to determine the role of this variant in disease. Therefore, it has been classified as a Variant of Uncertain Significance.

Illumina Laboratory Services, Illumina
Classification: Uncertain significance for Usher syndrome type 2C. Last evaluated: 2018-01-12. Review status: criteria provided, single submitter. Criteria: ICSL Variant Classification Criteria 13 December 2019. Collection method: clinical testing. Allele origin: germline.

Laboratory for Molecular Medicine, Mass General Brigham Personalized Medicine
Classification: Likely benign. Last evaluated: 2016-02-18. Review status: criteria provided, single submitter. Criteria: LMM Criteria. Collection method: clinical testing. Allele origin: germline. Observed: 1 variant allele.
Comment: p.Ile3061Val in exon 42 of GPR98: This variant is not expected to have clinical significance due to a lack of conservation across species, including mammals. Of note, 3 mammals (Tibetan antelope, sheep, domestic goat) have a valine (Val) at this position despite high nearby amino acid conservation. In addition, computa tional prediction tools do not suggest a high likelihood of impact to the protei n.

NM_032119.4(ADGRV1):c.9181A>G (p.Ile3061Val)

Gene: ADGRV1 (adhesion G protein-coupled receptor V1; plus strand). Cytogenetic location: 5q14.3.
Variant type: single nucleotide variant.
Coding change: c.9181A>G on transcript NM_032119.4 (MANE Select); coding-DNA position 9181, A replaced by G.
Protein change: p.Ile3061Val; replaces isoleucine 3061 with valine.
Molecular consequence: missense variant. On other transcripts: non-coding transcript variant (1).
Genome position (GRCh38, 1-based): chr5:90,712,425, A>G. VCF-style: chr5-90712425-A-G. GRCh37 (hg19) VCF-style: chr5-90008242-A-G.
Other names: short protein forms I3061V.
Identifiers: ClinVar variation 227413 (VCV000227413.14), dbSNP rs759038879, ClinGen allele CA3340453.